The following is an entry in ClinVar:

ClinVar aggregate classification (germline): Uncertain significance. Review status: criteria provided, multiple submitters, no conflicts (2 of 4 stars). 2 submissions from 2 submitters: Uncertain significance (2). Last evaluated 2025-08-29.

Allele frequency attached by ClinVar (database versions not stated): ExAC 0.00006; gnomAD 0.00003; TOPMed 0.00002.
gnomAD v4.1: 73 of 1,613,536 alleles (0.0045%); highest among the groups gnomAD compares: Non-Finnish European, 0.0053%; no homozygotes.

Submissions (2):

Ambry Genetics
Classification: Uncertain significance. Last evaluated: 2025-08-29. Review status: criteria provided, single submitter. Criteria: Ambry Variant Classification Scheme 2023. Collection method: clinical testing. Allele origin: germline.

Labcorp Genetics (formerly Invitae), Labcorp
Classification: Uncertain significance. Last evaluated: 2024-10-28. Review status: criteria provided, single submitter. Criteria: Invitae Variant Classification Sherloc (09022015). Collection method: clinical testing. Allele origin: germline.
Comment: This sequence change replaces arginine, which is basic and polar, with cysteine, which is neutral and slightly polar, at codon 953 of the MYH7B protein (p.Arg953Cys). This variant is present in population databases (rs202189096, gnomAD 0.008%). This variant has not been reported in the literature in individuals affected with MYH7B-related conditions. ClinVar contains an entry for this variant (Variation ID: 2074377). Invitae Evidence Modeling of protein sequence and biophysical properties (such as structural, functional, and spatial information, amino acid conservation, physicochemical variation, residue mobility, and thermodynamic stability) indicates that this missense variant is expected to disrupt MYH7B protein function with a positive predictive value of 80%. In summary, the available evidence is currently insufficient to determine the role of this variant in disease. Therefore, it has been classified as a Variant of Uncertain Significance.

NM_020884.7(MYH7B):c.2731C>T (p.Arg911Cys)

Gene: MYH7B (myosin heavy chain 7B; plus strand). Cytogenetic location: 20q11.22.
Variant type: single nucleotide variant.
Coding change: c.2731C>T on transcript NM_020884.7 (MANE Select); coding-DNA position 2731, C replaced by T.
Protein change: p.Arg911Cys; replaces arginine 911 with cysteine.
Molecular consequence: missense variant.
Genome position (GRCh38, 1-based): chr20:34,995,366, C>T. VCF-style: chr20-34995366-C-T. GRCh37 (hg19) VCF-style: chr20-33583169-C-T.
Other names: c.2857C>T (NM_020884.3); short protein forms R911C.
Identifiers: ClinVar variation 2074377 (VCV002074377.5), dbSNP rs202189096, ClinGen allele CA9827490.